The following is an entry in ClinVar:

ClinVar aggregate classification (germline): Uncertain significance (1 of 4 stars; one submission).

gnomAD v4.1: 2 of 1,613,208 alleles (0.00012%); highest among the groups gnomAD compares: East Asian, 0.0022%; no homozygotes.

Submission:

GeneDx
Classification: Uncertain significance. Last evaluated: 2024-12-17. Review status: criteria provided, single submitter. Criteria: GeneDx Variant Classification Process June 2021. Collection method: clinical testing. Allele origin: germline. Affected: yes.
Comment: Not observed at significant frequency in large population cohorts (gnomAD); In silico analysis indicates that this missense variant does not alter protein structure/function; Has not been previously published as pathogenic or benign to our knowledge

NM_207037.2(TCF12):c.614A>G (p.Asn205Ser)

Gene: TCF12 (transcription factor 12; plus strand). Cytogenetic location: 15q21.3.
Variant type: single nucleotide variant.
Coding change: c.614A>G on transcript NM_207037.2 (MANE Select); coding-DNA position 614, A replaced by G.
Protein change: p.Asn205Ser; replaces asparagine 205 with serine.
Molecular consequence: missense variant. On other transcripts: 5 prime UTR variant (1).
Genome position (GRCh38, 1-based): chr15:57,231,186, A>G. VCF-style: chr15-57231186-A-G. GRCh37 (hg19) VCF-style: chr15-57523384-A-G.
Other names: c.104A>G, p.Asn35Ser (NM_001306219.3, NM_207040.2); c.46A>G, p.Thr16Ala (NM_001306220.3); c.614A>G, p.Asn205Ser (NM_001322151.2, NM_001322152.2, NM_001322157.3 and 7 more transcripts); c.-44A>G (NM_001322154.2); c.440A>G, p.Asn147Ser (NM_001322156.2, NM_001322158.2); c.650A>G, p.Asn217Ser (NM_001322164.2); short protein forms N147S, N205S, N217S, N35S, T16A.
Identifiers: ClinVar variation 3906688 (VCV003906688.1).